The following is an entry in ClinVar:

ClinVar aggregate classification (germline): Uncertain significance. Review status: criteria provided, multiple submitters, no conflicts (2 of 4 stars). 3 submissions from 3 submitters: Uncertain significance (3). Last evaluated 2025-06-06.

Conditions:
Inborn genetic diseases. Identifiers: MedGen C0950123, MeSH D030342.
Retinitis pigmentosa 12 (RP12). Also called: RP WITH OR WITHOUT PRESERVED PARAARTERIOLE RETINAL PIGMENT EPITHELIUM; RETINITIS PIGMENTOSA WITH OR WITHOUT PARAARTERIOLAR PRESERVATION OF RETINAL PIGMENT EPITHELIUM; RP WITH OR WITHOUT PPRPE. Identifiers: Orphanet 791, MedGen C1838647, MONDO:0010818, OMIM 600105.
Leber congenital amaurosis 8 (LCA8). Identifiers: Orphanet 65, MedGen C3151202, MONDO:0013453, OMIM 613835.

Allele frequency attached by ClinVar (database versions not stated): gnomAD exomes below 0.00001 and 0.00003; ExAC 0.00005; TOPMed 0.00006; gnomAD 0.00009 and 0.00010; ESP Exome Variant Server 0.00015; 1000 Genomes Project 30x 0.00047; 1000 Genomes Project 0.00060.
gnomAD v4.1: 22 of 1,613,986 alleles (0.0014%); highest among the groups gnomAD compares: African/African-American, 0.027%; no homozygotes.

Submissions (3):

Ambry Genetics
Classification: Uncertain significance for Inborn genetic diseases. Last evaluated: 2025-06-06. Review status: criteria provided, single submitter. Criteria: Ambry Variant Classification Scheme 2023. Collection method: clinical testing. Allele origin: germline.

Labcorp Genetics (formerly Invitae), Labcorp
Classification: Uncertain significance for Leber congenital amaurosis 8; Retinitis pigmentosa 12. Last evaluated: 2022-09-06. Review status: criteria provided, single submitter. Criteria: Invitae Variant Classification Sherloc (09022015). Collection method: clinical testing. Allele origin: germline.
Comment: This sequence change replaces asparagine, which is neutral and polar, with serine, which is neutral and polar, at codon 610 of the CRB1 protein (p.Asn610Ser). This variant is present in population databases (rs143655463, gnomAD 0.04%). This variant has not been reported in the literature in individuals affected with CRB1-related conditions. ClinVar contains an entry for this variant (Variation ID: 1524913). Advanced modeling of protein sequence and biophysical properties (such as structural, functional, and spatial information, amino acid conservation, physicochemical variation, residue mobility, and thermodynamic stability) performed at Invitae indicates that this missense variant is not expected to disrupt CRB1 protein function. In summary, the available evidence is currently insufficient to determine the role of this variant in disease. Therefore, it has been classified as a Variant of Uncertain Significance.

Blueprint Genetics
Classification: Uncertain significance. Last evaluated: 2020-01-30. Review status: criteria provided, single submitter. Criteria: ACMG Guidelines, 2015. Collection method: clinical testing. Allele origin: germline.

NM_201253.3(CRB1):c.1829A>G (p.Asn610Ser)

Gene: CRB1 (crumbs cell polarity complex component 1; plus strand). Cytogenetic location: 1q31.3.
Variant type: single nucleotide variant.
Coding change: c.1829A>G on transcript NM_201253.3 (MANE Select); coding-DNA position 1829, A replaced by G.
Protein change: p.Asn610Ser; replaces asparagine 610 with serine.
Molecular consequence: missense variant. On other transcripts: non-coding transcript variant (1).
Genome position (GRCh38, 1-based): chr1:197,421,657, A>G. VCF-style: chr1-197421657-A-G. GRCh37 (hg19) VCF-style: chr1-197390787-A-G.
Other names: c.1493A>G, p.Asn498Ser (NM_001193640.2); c.1622A>G, p.Asn541Ser (NM_001257965.2); c.1829A>G, p.Asn610Ser (NM_001257966.2); c.1829A>G (NM_201253.2); short protein forms N541S, N610S, N498S.
Identifiers: ClinVar variation 1524913 (VCV001524913.7), dbSNP rs143655463, ClinGen allele CA1311990.